The following is an entry in ClinVar:

ClinVar aggregate classification (germline): Uncertain significance. Review status: criteria provided, multiple submitters, no conflicts (2 of 4 stars). 2 submissions from 2 submitters: Uncertain significance (2). Last evaluated 2022-04-07.

Conditions:
Kufor-Rakeb syndrome (KRS). Also called: PARKINSON DISEASE 9, AUTOSOMAL RECESSIVE, JUVENILE-ONSET. Identifiers: Orphanet 306674, Orphanet 314632, MedGen C1847640, MONDO:0011706, OMIM 606693.
Autosomal recessive spastic paraplegia type 78. Identifiers: Orphanet 513436, MedGen C5567893, MONDO:0014975, OMIM 617225.
Inborn genetic diseases. Identifiers: MedGen C0950123, MeSH D030342.

Allele frequency attached by ClinVar (database versions not stated): gnomAD exomes 0.00001; ExAC 0.00002; gnomAD 0.00002; TOPMed 0.00002; ESP Exome Variant Server 0.00008.
gnomAD v4.1: 21 of 1,614,034 alleles (0.0013%); highest among the groups gnomAD compares: Middle Eastern, 0.016%; no homozygotes.

Submissions (2):

Labcorp Genetics (formerly Invitae), Labcorp
Classification: Uncertain significance for Kufor-Rakeb syndrome; Autosomal recessive spastic paraplegia type 78. Last evaluated: 2022-04-07. Review status: criteria provided, single submitter. Criteria: Invitae Variant Classification Sherloc (09022015). Collection method: clinical testing. Allele origin: germline.
Comment: This sequence change replaces proline, which is neutral and non-polar, with leucine, which is neutral and non-polar, at codon 730 of the ATP13A2 protein (p.Pro730Leu). This variant is present in population databases (rs142720276, gnomAD 0.01%). This variant has not been reported in the literature in individuals affected with ATP13A2-related conditions. Advanced modeling of protein sequence and biophysical properties (such as structural, functional, and spatial information, amino acid conservation, physicochemical variation, residue mobility, and thermodynamic stability) performed at Invitae indicates that this missense variant is not expected to disrupt ATP13A2 protein function. In summary, the available evidence is currently insufficient to determine the role of this variant in disease. Therefore, it has been classified as a Variant of Uncertain Significance.

Ambry Genetics
Classification: Uncertain significance for Inborn genetic diseases. Last evaluated: 2020-03-05. Review status: criteria provided, single submitter. Criteria: Ambry Variant Classification Scheme 2023. Collection method: clinical testing. Allele origin: germline.
Comment: The p.P730L variant (also known as c.2189C>T), located in coding exon 20 of the ATP13A2 gene, results from a C to T substitution at nucleotide position 2189. The proline at codon 730 is replaced by leucine, an amino acid with similar properties. This amino acid position is well conserved in available vertebrate species. In addition, the in silico prediction for this alteration is inconclusive. Since supporting evidence is limited at this time, the clinical significance of this alteration remains unclear.

NM_022089.4(ATP13A2):c.2189C>T (p.Pro730Leu)

Gene: ATP13A2 (ATPase cation transporting 13A2; minus strand). Cytogenetic location: 1p36.13.
Variant type: single nucleotide variant.
Coding change: c.2189C>T on transcript NM_022089.4 (MANE Select); coding-DNA position 2189, C replaced by T.
Protein change: p.Pro730Leu; replaces proline 730 with leucine.
Molecular consequence: missense variant.
Genome position (GRCh38, 1-based): chr1:16,991,796, G>A on the plus strand (C>T on the coding strand, the complement: ATP13A2 is on the minus strand). VCF-style: chr1-16991796-G-A. GRCh37 (hg19) VCF-style: chr1-17318291-G-A.
Other names: c.2174C>T, p.Pro725Leu (NM_001141973.3, NM_001141974.3); short protein forms P730L, P725L.
Identifiers: ClinVar variation 1787382 (VCV001787382.7), dbSNP rs142720276, ClinGen allele CA636944.
Genomic context (GRCh38, chr1:16,991,796, plus strand): 5'-GTCACCATGACGGCGCGGATGCGGGTCCTTCGCAGAGCCTGGATAACTGGCGTTGTCTGC[G>A]GCTTCAGTAGGTTCCTCATGACCAGCAGCCCCAGGAGGCTCAGGTCTCCTTCCACAGTGT-3'
Protein context (NP_071372.1, residues 720-740): GLLVMRNLLK[Pro730Leu]QTTPVIQALR